The following is an entry in ClinVar:

NM_001364857.2(ADGRB2):c.677C>A (p.Pro226His)

Gene: ADGRB2 (adhesion G protein-coupled receptor B2; minus strand). Cytogenetic location: 1p35.2.
Variant type: single nucleotide variant.
Coding change: c.677C>A on transcript NM_001364857.2 (MANE Select); coding-DNA position 677, C replaced by A.
Protein change: p.Pro226His; replaces proline 226 with histidine.
Molecular consequence: missense variant.
Genome position (GRCh38, 1-based): chr1:31,756,160, G>T on the plus strand (C>A on the coding strand, the complement: ADGRB2 is on the minus strand). VCF-style: chr1-31756160-G-T. GRCh37 (hg19) VCF-style: chr1-32221761-G-T.
Other names: c.677C>A, p.Pro226His (NM_001294335.2, NM_001294336.2, NM_001703.2); short protein forms P226H.
Identifiers: ClinVar variation 2809721 (VCV002809721.3), dbSNP rs1259525530, ClinGen allele CA339620495.

ClinVar aggregate classification (germline): Uncertain significance (1 of 4 stars; one submission).

gnomAD v4.1: 2 of 1,613,406 alleles (0.00012%); highest among the groups gnomAD compares: Non-Finnish European, 0.00017%; no homozygotes.

Submission:

Labcorp Genetics (formerly Invitae), Labcorp
Classification: Uncertain significance. Last evaluated: 2025-09-20. Review status: criteria provided, single submitter. Criteria: Invitae Variant Classification Sherloc (09022015). Collection method: clinical testing. Allele origin: germline.
Comment: This sequence change replaces proline, which is neutral and non-polar, with histidine, which is basic and polar, at codon 226 of the ADGRB2 protein (p.Pro226His). This variant is not present in population databases (gnomAD no frequency). This variant has not been reported in the literature in individuals affected with ADGRB2-related conditions. ClinVar contains an entry for this variant (Variation ID: 2809721). An algorithm developed to predict the effect of missense changes on protein structure and function (PolyPhen-2) suggests that this variant is likely to be disruptive. In summary, the available evidence is currently insufficient to determine the role of this variant in disease. Therefore, it has been classified as a Variant of Uncertain Significance.